The following is an entry in ClinVar:

ClinVar aggregate classification (germline): Uncertain significance (1 of 4 stars; one submission).

Allele frequency attached by ClinVar (database versions not stated): gnomAD 0.00002; TOPMed 0.00002; gnomAD exomes below 0.00001 and 0.00001.
gnomAD v4.1: 6 of 1,607,292 alleles (0.00037%); highest among the groups gnomAD compares: Admixed American, 0.0034%; no homozygotes.

Submission:

Labcorp Genetics (formerly Invitae), Labcorp
Classification: Uncertain significance. Last evaluated: 2022-02-05. Review status: criteria provided, single submitter. Criteria: Invitae Variant Classification Sherloc (09022015). Collection method: clinical testing. Allele origin: germline.
Comment: This sequence change falls in intron 15 of the PTPN23 gene. It does not directly change the encoded amino acid sequence of the PTPN23 protein. It affects a nucleotide within the consensus splice site. This variant is present in population databases (no rsID available, gnomAD 0.003%). This variant has not been reported in the literature in individuals affected with PTPN23-related conditions. Variants that disrupt the consensus splice site are a relatively common cause of aberrant splicing (PMID: 17576681, 9536098). Algorithms developed to predict the effect of sequence changes on RNA splicing suggest that this variant may disrupt the consensus splice site. In summary, the available evidence is currently insufficient to determine the role of this variant in disease. Therefore, it has been classified as a Variant of Uncertain Significance.

Literature cited by the submitters: PubMed 17576681; PubMed 9536098.

NM_015466.4(PTPN23):c.1330+4A>T

Gene: PTPN23 (protein tyrosine phosphatase non-receptor type 23; plus strand). Cytogenetic location: 3p21.31.
Variant type: single nucleotide variant.
Coding change: c.1330+4A>T on transcript NM_015466.4 (MANE Select); 4 bases into the intron after coding-DNA position 1330, A replaced by T.
Molecular consequence: intron variant.
Genome position (GRCh38, 1-based): chr3:47,408,494, A>T. VCF-style: chr3-47408494-A-T. GRCh37 (hg19) VCF-style: chr3-47449984-A-T.
Other names: c.952+4A>T (NM_001304482.2).
Identifiers: ClinVar variation 1496405 (VCV001496405.3), dbSNP rs1238102156, ClinGen allele CA542749321.